The following is an entry in ClinVar:

NM_001174147.2(LMX1B):c.402dup (p.Val135fs)

Gene: LMX1B (LIM homeobox transcription factor 1 beta; plus strand). Cytogenetic location: 9q33.3.
Variant type: Duplication.
Coding change: c.402dup on transcript NM_001174147.2 (MANE Select); coding-DNA position 402, one base duplicated (C; older notation c.402dupC).
Protein change: p.Val135fs; shifts the reading frame from valine 135.
Molecular consequence: frameshift variant.
Genome position (GRCh38, 1-based): chr9:126,690,911, C duplicated. VCF-style (leftmost placement, unchanged base first): chr9-126690910-G-GC. GRCh37 (hg19) VCF-style: chr9-129453189-G-GC.
Other names: c.402dup, p.Val135fs (NM_002316.4, NM_001174146.2); short protein forms V135fs.
Identifiers: ClinVar variation 3662067 (VCV003662067.2).

ClinVar aggregate classification (germline): Pathogenic (1 of 4 stars; one submission).

Submission:

Labcorp Genetics (formerly Invitae), Labcorp
Classification: Pathogenic. Last evaluated: 2024-08-12. Review status: criteria provided, single submitter. Criteria: Invitae Variant Classification Sherloc (09022015). Collection method: clinical testing. Allele origin: germline.
Comment: This sequence change creates a premature translational stop signal (p.Val135Argfs*13) in the LMX1B gene. It is expected to result in an absent or disrupted protein product. Loss-of-function variants in LMX1B are known to be pathogenic (PMID: 9590287, 15498463). This variant is not present in population databases (gnomAD no frequency). This variant has not been reported in the literature in individuals affected with LMX1B-related conditions. For these reasons, this variant has been classified as Pathogenic.

Literature cited by the submitters: PubMed 9590287; PubMed 15498463.